The following is an entry in ClinVar:

ClinVar aggregate classification (germline): Conflicting classifications of pathogenicity. Review status: criteria provided, conflicting classifications (1 of 4 stars). 2 submissions from 2 submitters: Likely pathogenic (1); Uncertain significance (1). Last evaluated 2024-10-15.

Conditions:
Propionic acidemia (PROP). Also called: KETOTIC HYPERGLYCINEMIA; GLYCINEMIA, KETOTIC; HYPERGLYCINEMIA WITH KETOACIDOSIS AND LEUKOPENIA. Identifiers: Orphanet 35, MedGen C0268579, MONDO:0011628, OMIM 606054, HP:0003571.

gnomAD v4.1: 7 of 1,614,134 alleles (0.00043%); highest among the groups gnomAD compares: Non-Finnish European, 0.00059%; no homozygotes.

Submissions (2):

Women's Health and Genetics/Laboratory Corporation of America, LabCorp
Classification: Uncertain significance. Last evaluated: 2024-10-15. Review status: criteria provided, single submitter. Criteria: LabCorp Variant Classification Summary - May 2015. Collection method: clinical testing. Allele origin: germline.
Comment: Variant summary: PCCB c.791A>G (p.Asp264Gly) results in a non-conservative amino acid change located in the Acetyl-coenzyme A carboxyltransferase, N-terminal domain (IPR011762) of the encoded protein sequence. Five of five in-silico tools predict a damaging effect of the variant on protein function. The variant was absent in 251470 control chromosomes (gnomAD). The available data on variant occurrences in the general population are insufficient to allow any conclusion about variant significance. c.791A>G has been reported iternally in at least one individual affected with Propionic Acidemia (Labcorp Genetics, formerly Invitae). These data do not allow any conclusion about variant significance. To our knowledge, no experimental evidence demonstrating an impact on protein function has been reported. ClinVar contains an entry for this variant (Variation ID: 581335). Based on the evidence outlined above, the variant was classified as uncertain significance.

Labcorp Genetics (formerly Invitae), Labcorp
Classification: Likely pathogenic for Propionic acidemia. Last evaluated: 2023-03-23. Review status: criteria provided, single submitter. Criteria: Invitae Variant Classification Sherloc (09022015). Collection method: clinical testing. Allele origin: germline.
Comment: Advanced modeling of protein sequence and biophysical properties (such as structural, functional, and spatial information, amino acid conservation, physicochemical variation, residue mobility, and thermodynamic stability) has been performed at Invitae for this missense variant, however the output from this modeling did not meet the statistical confidence thresholds required to predict the impact of this variant on PCCB protein function. In summary, the currently available evidence indicates that the variant is pathogenic, but additional data are needed to prove that conclusively. Therefore, this variant has been classified as Likely Pathogenic. ClinVar contains an entry for this variant (Variation ID: 581335). This missense change has been observed in individual(s) with propionic acidemia (Invitae). In at least one individual the data is consistent with being in trans (on the opposite chromosome) from a pathogenic variant. This variant is not present in population databases (gnomAD no frequency). This sequence change replaces aspartic acid, which is acidic and polar, with glycine, which is neutral and non-polar, at codon 264 of the PCCB protein (p.Asp264Gly).

NM_000532.5(PCCB):c.791A>G (p.Asp264Gly)

Gene: PCCB (propionyl-CoA carboxylase subunit beta; plus strand). Cytogenetic location: 3q22.3.
Variant type: single nucleotide variant.
Coding change: c.791A>G on transcript NM_000532.5 (MANE Select); coding-DNA position 791, A replaced by G.
Protein change: p.Asp264Gly; replaces aspartic acid 264 with glycine.
Molecular consequence: missense variant.
Genome position (GRCh38, 1-based): chr3:136,297,979, A>G. VCF-style: chr3-136297979-A-G. GRCh37 (hg19) VCF-style: chr3-136016821-A-G.
Other names: c.851A>G, p.Asp284Gly (NM_001178014.2); short protein forms D264G, D284G.
Identifiers: ClinVar variation 581335 (VCV000581335.9), dbSNP rs1560017781, ClinGen allele CA354644489.